The following is an entry in ClinVar:

ClinVar aggregate classification (germline): Uncertain significance (1 of 4 stars; one submission).

Conditions:
Combined immunodeficiency due to LRBA deficiency. Also called: Common variable immunodeficiency 8, with autoimmunity. Identifiers: Orphanet 445018, MedGen C3553512, MONDO:0013863, OMIM 614700.

Allele frequency attached by ClinVar (database versions not stated): gnomAD exomes below 0.00001; TOPMed below 0.00001; gnomAD 0.00001.
gnomAD v4.1: 4 of 1,611,838 alleles (0.00025%); highest among the groups gnomAD compares: South Asian, 0.0022%; no homozygotes.

Submission:

Labcorp Genetics (formerly Invitae), Labcorp
Classification: Uncertain significance for Combined immunodeficiency due to LRBA deficiency. Last evaluated: 2022-02-03. Review status: criteria provided, single submitter. Criteria: Invitae Variant Classification Sherloc (09022015). Collection method: clinical testing. Allele origin: germline.
Comment: In summary, the available evidence is currently insufficient to determine the role of this variant in disease. Therefore, it has been classified as a Variant of Uncertain Significance. Algorithms developed to predict the effect of missense changes on protein structure and function (SIFT, PolyPhen-2, Align-GVGD) all suggest that this variant is likely to be tolerated. ClinVar contains an entry for this variant (Variation ID: 859121). This variant has not been reported in the literature in individuals affected with LRBA-related conditions. This variant is not present in population databases (gnomAD no frequency). This sequence change replaces alanine, which is neutral and non-polar, with glycine, which is neutral and non-polar, at codon 1730 of the LRBA protein (p.Ala1730Gly).

NM_001364905.1(LRBA):c.5189C>G (p.Ala1730Gly)

Gene: LRBA (LPS responsive beige-like anchor protein; minus strand). Cytogenetic location: 4q31.3.
Variant type: single nucleotide variant.
Coding change: c.5189C>G on transcript NM_001364905.1 (MANE Select); coding-DNA position 5189, C replaced by G.
Protein change: p.Ala1730Gly; replaces alanine 1730 with glycine.
Molecular consequence: missense variant.
Genome position (GRCh38, 1-based): chr4:150,817,240, G>C on the plus strand (C>G on the coding strand, the complement: LRBA is on the minus strand). VCF-style: chr4-150817240-G-C. GRCh37 (hg19) VCF-style: chr4-151738392-G-C.
Other names: c.5189C>G, p.Ala1730Gly (NM_001199282.3, NM_001367550.1, NM_006726.5); short protein forms A1730G.
Identifiers: ClinVar variation 859121 (VCV000859121.11), dbSNP rs1744736366, ClinGen allele CA358610520.
Genomic context (GRCh38, chr4:150,817,240, plus strand): 5'-CTGACAGCATTGGTAGGTATGCTTGTATTAAAGGTGGAAGGTGAGACTGCTGACTTTTTT[G>C]CTGCAACAATGACACTTCTGTAATAAAGAAAGTAAACAGACTGAAAGATACAAATTGATC-3'
Protein context (NP_001351834.1, residues 1720-1740): RSFDRSVIVA[Ala1730Gly]KKSAVSPSTF